The following is an entry in ClinVar:

NM_005228.5(EGFR):c.1282G>A (p.Gly428Ser)

Gene: EGFR (epidermal growth factor receptor; plus strand). Cytogenetic location: 7p11.2.
Variant type: single nucleotide variant.
Coding change: c.1282G>A on transcript NM_005228.5 (MANE Select); coding-DNA position 1282, G replaced by A.
Protein change: p.Gly428Ser; replaces glycine 428 with serine.
Molecular consequence: missense variant.
Genome position (GRCh38, 1-based): chr7:55,157,737, G>A. VCF-style: chr7-55157737-G-A. GRCh37 (hg19) VCF-style: chr7-55225430-G-A.
Other names: c.1147G>A, p.Gly383Ser (NM_001346897.2, NM_001346899.2); c.1282G>A, p.Gly428Ser (NM_001346898.2, NM_201282.2, NM_201284.2); c.1123G>A, p.Gly375Ser (NM_001346900.2); c.481G>A, p.Gly161Ser (NM_001346941.2); short protein forms G161S, G375S, G383S, G428S.
Identifiers: ClinVar variation 934766 (VCV000934766.7), dbSNP rs1785501703, ClinGen allele CA367579254.
Genomic context (GRCh38, chr7:55,157,737, plus strand): 5'-CAGGCTTGGCCTGAAAACAGGACGGACCTCCATGCCTTTGAGAACCTAGAAATCATACGC[G>A]GCAGGACCAAGCAACAGTAAGTTGACCACAGCCAAAGCCTGGTAGATTACATTTGCCTTT-3'
Protein context (NP_005219.2, residues 418-438): HAFENLEIIR[Gly428Ser]RTKQHGQFSL

ClinVar aggregate classification (germline): Uncertain significance (1 of 4 stars; one submission).

Conditions:
EGFR-related lung cancer (EGFR). Identifiers: MedGen CN130014.

Submission:

Labcorp Genetics (formerly Invitae), Labcorp
Classification: Uncertain significance for EGFR-related lung cancer. Last evaluated: 2022-01-13. Review status: criteria provided, single submitter. Criteria: Invitae Variant Classification Sherloc (09022015). Collection method: clinical testing. Allele origin: germline.
Comment: In summary, the available evidence is currently insufficient to determine the role of this variant in disease. Therefore, it has been classified as a Variant of Uncertain Significance. This variant disrupts the p.Gly428 amino acid residue in EGFR. Other variant(s) that disrupt this residue have been determined to be pathogenic (PMID: 24691054, 26436111, 32602142). This suggests that this residue is clinically significant, and that variants that disrupt this residue are likely to be disease-causing. Algorithms developed to predict the effect of missense changes on protein structure and function are either unavailable or do not agree on the potential impact of this missense change (SIFT: "Deleterious"; PolyPhen-2: "Probably Damaging"; Align-GVGD: "Class C0"). ClinVar contains an entry for this variant (Variation ID: 934766). This variant has not been reported in the literature in individuals affected with EGFR-related conditions. This variant is not present in population databases (gnomAD no frequency). This sequence change replaces glycine, which is neutral and non-polar, with serine, which is neutral and polar, at codon 428 of the EGFR protein (p.Gly428Ser).

Literature cited by the submitters: PubMed 24691054; PubMed 26436111; PubMed 32602142.